The following is an entry in ClinVar:

NM_001374736.1(DST):c.21011A>C (p.Asp7004Ala)

Gene: DST (dystonin; minus strand). Cytogenetic location: 6p12.1.
Variant type: single nucleotide variant.
Coding change: c.21011A>C on transcript NM_001374736.1 (MANE Select); coding-DNA position 21011, A replaced by C.
Protein change: p.Asp7004Ala; replaces aspartic acid 7004 with alanine.
Molecular consequence: missense variant.
Genome position (GRCh38, 1-based): chr6:56,487,140, T>G on the plus strand (A>C on the coding strand, the complement: DST is on the minus strand). VCF-style: chr6-56487140-T-G. GRCh37 (hg19) VCF-style: chr6-56351938-T-G.
Other names: c.14654A>C, p.Asp4885Ala (NM_001144769.5); c.14240A>C, p.Asp4747Ala (NM_001144770.2); c.21011A>C, p.Asp7004Ala (NM_001374722.1); c.20051A>C, p.Asp6684Ala (NM_001374729.1); c.13793A>C, p.Asp4598Ala (NM_001374730.1); c.21038A>C, p.Asp7013Ala (NM_001374734.1); c.14120A>C, p.Asp4707Ala (NM_001386100.1, NM_183380.4); c.13142A>C, p.Asp4381Ala (NM_015548.5); short protein forms D4707A, D4598A, D7013A, D4381A, D4747A, D6684A, D4885A, D7004A.
Identifiers: ClinVar variation 1420310 (VCV001420310.4), dbSNP rs945242853, ClinGen allele CA139182765.

ClinVar aggregate classification (germline): Uncertain significance (1 of 4 stars; one submission).

Conditions:
Epidermolysis bullosa simplex 3, localized or generalized intermediate, with BP230 deficiency (EBS3). Also called: Epidermolysis bullosa simplex due to BP230 deficiency; Epidermolysis bullosa simplex, autosomal recessive 2. Identifiers: Orphanet 412181, MedGen C3809470, MONDO:0014180, OMIM 615425.
Hereditary sensory and autonomic neuropathy type 6. Also called: Neuropathy, hereditary sensory and autonomic, type VI; HSAN VI. Identifiers: Orphanet 314381, MedGen C3539003, MONDO:0013839, OMIM 614653.

Submission:

Labcorp Genetics (formerly Invitae), Labcorp
Classification: Uncertain significance for Epidermolysis bullosa simplex 3, localized or generalized intermediate, with BP230 deficiency; Hereditary sensory and autonomic neuropathy type 6. Last evaluated: 2021-10-27. Review status: criteria provided, single submitter. Criteria: Invitae Variant Classification Sherloc (09022015). Collection method: clinical testing. Allele origin: germline.
Comment: This variant has not been reported in the literature in individuals affected with DST-related conditions. In summary, the available evidence is currently insufficient to determine the role of this variant in disease. Therefore, it has been classified as a Variant of Uncertain Significance. Experimental studies and prediction algorithms are not available or were not evaluated, and the functional significance of this variant is currently unknown. This variant is present in population databases (no rsID available, gnomAD 0.007%). This sequence change replaces aspartic acid, which is acidic and polar, with alanine, which is neutral and non-polar, at codon 4381 of the DST protein (p.Asp4381Ala). The DST gene has multiple clinically relevant transcripts. This variant occurs in alternate transcript NM_015548.4, and corresponds to NM_001723.5:c.*128377A>C in the primary transcript.